The following is an entry in ClinVar:

NM_015650.4(TRAF3IP1):c.1721A>C (p.Lys574Thr)

Gene: TRAF3IP1 (TRAF3 interacting protein 1; plus strand). Cytogenetic location: 2q37.3.
Variant type: single nucleotide variant.
Coding change: c.1721A>C on transcript NM_015650.4 (MANE Select); coding-DNA position 1721, A replaced by C.
Protein change: p.Lys574Thr; replaces lysine 574 with threonine.
Molecular consequence: missense variant.
Genome position (GRCh38, 1-based): chr2:238,397,490, A>C. VCF-style: chr2-238397490-A-C. GRCh37 (hg19) VCF-style: chr2-239306131-A-C.
Other names: c.1523A>C, p.Lys508Thr (NM_001139490.1); short protein forms K508T, K574T.
Identifiers: ClinVar variation 2106833 (VCV002106833.4), dbSNP rs2469852396, ClinGen allele CA351245831.
Genomic context (GRCh38, chr2:238,397,490, plus strand): 5'-TTCCTCTTCCTATGTCTCCCTGACTGTAGGAGCGATCTCTCTTTGAGTCGGCATGGAAGA[A>C]GGAGAAGGACATCGTTTCCAAGGAGATAGAGAAGCTCCGCACGTCCATCCAGACCCTGTG-3'
Protein context (NP_056465.2, residues 564-584): ERSLFESAWK[Lys574Thr]EKDIVSKEIE

ClinVar aggregate classification (germline): Uncertain significance (1 of 4 stars; one submission).

Allele frequency attached by ClinVar (database versions not stated): gnomAD exomes below 0.00001.
gnomAD v4.1: 1 of 1,613,012 alleles (0.000062%); highest among the groups gnomAD compares: South Asian, 0.0011%; no homozygotes.

Submission:

Labcorp Genetics (formerly Invitae), Labcorp
Classification: Uncertain significance. Last evaluated: 2024-10-16. Review status: criteria provided, single submitter. Criteria: Invitae Variant Classification Sherloc (09022015). Collection method: clinical testing. Allele origin: germline.
Comment: This sequence change replaces lysine, which is basic and polar, with threonine, which is neutral and polar, at codon 574 of the TRAF3IP1 protein (p.Lys574Thr). This variant is not present in population databases (gnomAD no frequency). This variant has not been reported in the literature in individuals affected with TRAF3IP1-related conditions. ClinVar contains an entry for this variant (Variation ID: 2106833). Invitae Evidence Modeling of protein sequence and biophysical properties (such as structural, functional, and spatial information, amino acid conservation, physicochemical variation, residue mobility, and thermodynamic stability) indicates that this missense variant is expected to disrupt TRAF3IP1 protein function with a positive predictive value of 80%. In summary, the available evidence is currently insufficient to determine the role of this variant in disease. Therefore, it has been classified as a Variant of Uncertain Significance.